The following is an entry in ClinVar:

NM_003072.5(SMARCA4):c.1285G>A (p.Ala429Thr)

Gene: SMARCA4 (SWI/SNF related BAF chromatin remodeling complex subunit ATPase 4; plus strand). Cytogenetic location: 19p13.2.
Variant type: single nucleotide variant.
Coding change: c.1285G>A on transcript NM_003072.5 (MANE Select); coding-DNA position 1285, G replaced by A.
Protein change: p.Ala429Thr; replaces alanine 429 with threonine.
Molecular consequence: missense variant. On other transcripts: non-coding transcript variant (1).
Genome position (GRCh38, 1-based): chr19:10,991,189, G>A. VCF-style: chr19-10991189-G-A. GRCh37 (hg19) VCF-style: chr19-11101865-G-A.
Other names: c.1285G>A, p.Ala429Thr (NM_001128844.3, NM_001128845.2, NM_001128846.2 and 6 more transcripts); short protein forms A429T.
Identifiers: ClinVar variation 1719769 (VCV001719769.5), dbSNP rs2145878872, ClinGen allele CA404060599.

ClinVar aggregate classification (germline): Uncertain significance (1 of 4 stars; one submission).

Conditions:
Rhabdoid tumor predisposition syndrome 2 (RTPS2). Identifiers: Orphanet 231108, Orphanet 69077, MedGen C2750074, MONDO:0013224, OMIM 613325.

Submission:

Labcorp Genetics (formerly Invitae), Labcorp
Classification: Uncertain significance for Rhabdoid tumor predisposition syndrome 2. Last evaluated: 2025-06-29. Review status: criteria provided, single submitter. Criteria: Invitae Variant Classification Sherloc (09022015). Collection method: clinical testing. Allele origin: germline.
Comment: This sequence change replaces alanine, which is neutral and non-polar, with threonine, which is neutral and polar, at codon 429 of the SMARCA4 protein (p.Ala429Thr). This variant is not present in population databases (gnomAD no frequency). This variant has not been reported in the literature in individuals affected with SMARCA4-related conditions. ClinVar contains an entry for this variant (Variation ID: 1719769). An algorithm developed to predict the effect of missense changes on protein structure and function (PolyPhen-2) suggests that this variant is likely to be tolerated. In summary, the available evidence is currently insufficient to determine the role of this variant in disease. Therefore, it has been classified as a Variant of Uncertain Significance.